The following is an entry in ClinVar:

ClinVar aggregate classification (germline): Uncertain significance (1 of 4 stars; one submission).

Conditions:
Developmental and epileptic encephalopathy 94 (DEE94). Also called: Epileptic encephalopathy, childhood-onset; CHD2-Related Neurodevelopmental Disorders. Identifiers: Orphanet 1942, Orphanet 2382, MedGen C3809278, MONDO:0014150, OMIM 615369.

gnomAD v4.1: 1 of 1,614,222 alleles (0.000062%); highest among the groups gnomAD compares: Non-Finnish European, 0.000085%; no homozygotes.

Submission:

Labcorp Genetics (formerly Invitae), Labcorp
Classification: Uncertain significance for Developmental and epileptic encephalopathy 94. Last evaluated: 2024-07-11. Review status: criteria provided, single submitter. Criteria: Invitae Variant Classification Sherloc (09022015). Collection method: clinical testing. Allele origin: germline.
Comment: This sequence change replaces leucine, which is neutral and non-polar, with proline, which is neutral and non-polar, at codon 1499 of the CHD2 protein (p.Leu1499Pro). This variant is not present in population databases (gnomAD no frequency). This variant has not been reported in the literature in individuals affected with CHD2-related conditions. Advanced modeling of protein sequence and biophysical properties (such as structural, functional, and spatial information, amino acid conservation, physicochemical variation, residue mobility, and thermodynamic stability) has been performed at Invitae for this missense variant, however the output from this modeling did not meet the statistical confidence thresholds required to predict the impact of this variant on CHD2 protein function. In summary, the available evidence is currently insufficient to determine the role of this variant in disease. Therefore, it has been classified as a Variant of Uncertain Significance.

NM_001271.4(CHD2):c.4496T>C (p.Leu1499Pro)

Gene: CHD2 (chromodomain helicase DNA binding protein 2; plus strand). Cytogenetic location: 15q26.1.
Variant type: single nucleotide variant.
Coding change: c.4496T>C on transcript NM_001271.4 (MANE Select); coding-DNA position 4496, T replaced by C.
Protein change: p.Leu1499Pro; replaces leucine 1499 with proline.
Molecular consequence: missense variant.
Genome position (GRCh38, 1-based): chr15:93,009,227, T>C. VCF-style: chr15-93009227-T-C. GRCh37 (hg19) VCF-style: chr15-93552457-T-C.
Other names: short protein forms L1499P.
Identifiers: ClinVar variation 3636689 (VCV003636689.2).